The following is an entry in ClinVar:

ClinVar aggregate classification (germline): Uncertain significance (1 of 4 stars; one submission).

Conditions:
Hereditary spastic paraplegia 11. Also called: Nakamura Osame syndrome; Autosomal recessive hereditary spastic paraplegia, mental impairment, and thin corpus callosum; SPASTIC PARAPLEGIA, AUTOSOMAL RECESSIVE, COMPLICATED, WITH THIN CORPUS CALLOSUM; SPASTIC PARAPLEGIA, AUTOSOMAL RECESSIVE, WITH MENTAL IMPAIRMENT AND THIN CORPUS CALLOSUM; Spastic Paraplegia 11; Spastic paraplegia, mental retardation and thin corpus callosum. Identifiers: Orphanet 2822, MedGen C1858479, MONDO:0011445, OMIM 604360.

Allele frequency attached by ClinVar (database versions not stated): gnomAD exomes below 0.00001; TOPMed below 0.00001; ExAC 0.00001; gnomAD 0.00003; 1000 Genomes Project 30x 0.00016; 1000 Genomes Project 0.00020.
gnomAD v4.1: 8 of 1,613,602 alleles (0.0005%); highest among the groups gnomAD compares: South Asian, 0.0077%; no homozygotes.

Submission:

Labcorp Genetics (formerly Invitae), Labcorp
Classification: Uncertain significance for Hereditary spastic paraplegia 11. Last evaluated: 2022-07-26. Review status: criteria provided, single submitter. Criteria: Invitae Variant Classification Sherloc (09022015). Collection method: clinical testing. Allele origin: germline.
Comment: This sequence change replaces glutamine, which is neutral and polar, with histidine, which is basic and polar, at codon 145 of the SPG11 protein (p.Gln145His). This variant is present in population databases (rs552760302, gnomAD 0.003%). This variant has not been reported in the literature in individuals affected with SPG11-related conditions. Algorithms developed to predict the effect of missense changes on protein structure and function output the following: SIFT: "Deleterious"; PolyPhen-2: "Probably Damaging"; Align-GVGD: "Class C0". The histidine amino acid residue is found in multiple mammalian species, which suggests that this missense change does not adversely affect protein function. In summary, the available evidence is currently insufficient to determine the role of this variant in disease. Therefore, it has been classified as a Variant of Uncertain Significance.

NM_025137.4(SPG11):c.435A>C (p.Gln145His)

Gene: SPG11 (SPG11 vesicle trafficking associated, spatacsin; minus strand). Cytogenetic location: 15q21.1.
Variant type: single nucleotide variant.
Coding change: c.435A>C on transcript NM_025137.4 (MANE Select); coding-DNA position 435, A replaced by C.
Protein change: p.Gln145His; replaces glutamine 145 with histidine.
Molecular consequence: missense variant.
Genome position (GRCh38, 1-based): chr15:44,660,439, T>G on the plus strand (A>C on the coding strand, the complement: SPG11 is on the minus strand). VCF-style: chr15-44660439-T-G. GRCh37 (hg19) VCF-style: chr15-44952637-T-G.
Other names: c.435A>C, p.Gln145His (NM_001160227.2, NM_001411132.1); short protein forms Q145H.
Identifiers: ClinVar variation 1947110 (VCV001947110.2), dbSNP rs552760302, ClinGen allele CA7535846.